The following is an entry in ClinVar:

NM_000245.4(MET):c.1108G>A (p.Val370Ile)

Gene: MET (MET proto-oncogene, receptor tyrosine kinase; plus strand). Cytogenetic location: 7q31.2.
Variant type: single nucleotide variant.
Coding change: c.1108G>A on transcript NM_000245.4 (MANE Select); coding-DNA position 1108, G replaced by A.
Protein change: p.Val370Ile; replaces valine 370 with isoleucine.
Molecular consequence: missense variant. On other transcripts: intron variant (1).
Genome position (GRCh38, 1-based): chr7:116,700,192, G>A. VCF-style: chr7-116700192-G-A. GRCh37 (hg19) VCF-style: chr7-116340246-G-A.
Other names: c.1108G>A, p.Val370Ile (NM_001127500.3, NM_001324401.3); c.-91+27615G>A (NM_001324402.2); short protein forms V370I.
Identifiers: ClinVar variation 3019890 (VCV003019890.3), dbSNP rs1167093562, ClinGen allele CA368970552.

ClinVar aggregate classification (germline): Uncertain significance (1 of 4 stars; one submission).

Conditions:
Renal cell carcinoma. Identifiers: Orphanet 217071, MedGen C0007134, MeSH D002292, MONDO:0005086, HP:0005584.

Allele frequency attached by ClinVar (database versions not stated): gnomAD exomes below 0.00001.
gnomAD v4.1: 1 of 1,593,652 alleles (0.000063%); highest among the groups gnomAD compares: East Asian, 0.0022%; no homozygotes.

Submission:

Labcorp Genetics (formerly Invitae), Labcorp
Classification: Uncertain significance for Renal cell carcinoma. Last evaluated: 2025-05-05. Review status: criteria provided, single submitter. Criteria: Invitae Variant Classification Sherloc (09022015). Collection method: clinical testing. Allele origin: germline.
Comment: This sequence change replaces valine, which is neutral and non-polar, with isoleucine, which is neutral and non-polar, at codon 370 of the MET protein (p.Val370Ile). This variant is present in population databases (no rsID available, gnomAD 0.006%). This variant has not been reported in the literature in individuals affected with MET-related conditions. ClinVar contains an entry for this variant (Variation ID: 3019890). An algorithm developed to predict the effect of missense changes on protein structure and function outputs the following: PolyPhen-2: "Benign". The isoleucine amino acid residue is found in multiple mammalian species, which suggests that this missense change does not adversely affect protein function. In summary, the available evidence is currently insufficient to determine the role of this variant in disease. Therefore, it has been classified as a Variant of Uncertain Significance.